The following is an entry in ClinVar:

NM_134261.3(RORA):c.284G>A (p.Gly95Asp)

Genes: RORA (RAR related orphan receptor A; minus strand), RORA-AS1 (RORA antisense RNA 1; plus strand). Cytogenetic location: 15q22.2.
Variant type: single nucleotide variant.
Coding change: c.284G>A on transcript NM_134261.3 (MANE Select); coding-DNA position 284, G replaced by A.
Protein change: p.Gly95Asp; replaces glycine 95 with aspartic acid.
Molecular consequence: missense variant.
Genome position (GRCh38, 1-based): chr15:60,514,756, C>T on the plus strand (G>A on the coding strand, the complement: RORA is on the minus strand). VCF-style: chr15-60514756-C-T. GRCh37 (hg19) VCF-style: chr15-60806955-C-T.
Other names: c.359G>A, p.Gly120Asp (NM_002943.4); c.383G>A, p.Gly128Asp (NM_134260.3); c.119G>A, p.Gly40Asp (NM_134262.3); short protein forms G120D, G128D, G40D, G95D.
Identifiers: ClinVar variation 1676501 (VCV001676501.3), dbSNP rs2141338093, ClinGen allele CA392671978.

ClinVar aggregate classification (germline): Uncertain significance (1 of 4 stars; one submission).

Submission:

Greenwood Genetic Center Diagnostic Laboratories, Greenwood Genetic Center
Classification: Uncertain significance. Last evaluated: 2022-03-23. Review status: criteria provided, single submitter. Criteria: ACMG Guidelines, 2015. Collection method: clinical testing. Allele origin: germline. Affected: yes.
Comment: PM2 PP3